The following is an entry in ClinVar:

ClinVar aggregate classification (germline): Benign/Likely benign. Review status: criteria provided, multiple submitters, no conflicts (2 of 4 stars). 2 submissions from 2 submitters: Benign (1); Likely benign (1). Last evaluated 2025-03-18.

Allele frequency attached by ClinVar (database versions not stated): gnomAD exomes 0.00002; gnomAD 0.00004; TOPMed 0.00004.
gnomAD v4.1: 34 of 1,614,046 alleles (0.0021%); highest among the groups gnomAD compares: African/African-American, 0.0027%; no homozygotes.

Submissions (2):

Labcorp Genetics (formerly Invitae), Labcorp
Classification: Benign. Last evaluated: 2025-03-18. Review status: criteria provided, single submitter. Criteria: Invitae Variant Classification Sherloc (09022015). Collection method: clinical testing. Allele origin: germline.

Center for Pediatric Genomic Medicine, Children's Mercy Hospital and Clinics
Classification: Likely benign. Last evaluated: 2016-04-18. Review status: criteria provided, single submitter. Criteria: ACMG Guidelines, 2015. Collection method: clinical testing. Allele origin: germline.
ClinVar note: Converted during submission from Likely Benign to Likely benign.

NM_001374828.1(ARID1B):c.6641T>C (p.Ile2214Thr)

Gene: ARID1B (AT-rich interaction domain 1B; plus strand). Cytogenetic location: 6q25.3.
Variant type: single nucleotide variant.
Coding change: c.6641T>C on transcript NM_001374828.1 (MANE Select); coding-DNA position 6641, T replaced by C.
Protein change: p.Ile2214Thr; replaces isoleucine 2214 with threonine.
Molecular consequence: missense variant.
Genome position (GRCh38, 1-based): chr6:157,207,413, T>C. VCF-style: chr6-157207413-T-C. GRCh37 (hg19) VCF-style: chr6-157528547-T-C.
Other names: c.4142T>C, p.Ile1381Thr (NM_001363725.2); c.6521T>C, p.Ile2174Thr (NM_001371656.1, NM_001374820.1); c.6482T>C, p.Ile2161Thr (NM_017519.3); short protein forms I1381T, I2161T, I2174T, I2214T.
Identifiers: ClinVar variation 235272 (VCV000235272.8), dbSNP rs878852997, ClinGen allele CA10581261.